The following is an entry in ClinVar:

ClinVar aggregate classification (germline): Pathogenic (1 of 4 stars; one submission).

Conditions:
Familial cancer of breast. Also called: BREAST CANCER, FAMILIAL; Hereditary breast cancer; hereditary breast carcinoma. Identifiers: Orphanet 227535, MedGen C0346153, MONDO:0016419, OMIM 114480. Disease mechanism: loss of function.

Submission:

Myriad Genetics, Inc.
Classification: Pathogenic for Familial cancer of breast. Last evaluated: 2024-01-23. Review status: criteria provided, single submitter. Criteria: Myriad Autosomal Dominant, Autosomal Recessive and X-Linked Classification Criteria (2023). Collection method: clinical testing. Allele origin: unknown.
Comment: This variant is considered pathogenic. This variant creates a frameshift predicted to result in premature protein truncation.

NM_000051.4(ATM):c.3929del (p.Gln1310fs)

Gene: ATM (ATM serine/threonine kinase; plus strand). Cytogenetic location: 11q22.3.
Variant type: Deletion.
Coding change: c.3929del on transcript NM_000051.4 (MANE Select); coding-DNA position 3929, one base deleted (A; older notation c.3929delA).
Protein change: p.Gln1310fs; shifts the reading frame from glutamine 1310.
Molecular consequence: frameshift variant.
Genome position (GRCh38, 1-based): chr11:108,284,409, A deleted. VCF-style (leftmost placement, unchanged base first): chr11-108284408-CA-C. GRCh37 (hg19) VCF-style: chr11-108155135-CA-C.
Other names: c.3929del, p.Gln1310fs (NM_001351834.2); short protein forms Q1310fs.
Identifiers: ClinVar variation 3148546 (VCV003148546.1), dbSNP rs2546887628, ClinGen allele CA2825001692.